The following is an entry in ClinVar:

NM_002334.4(LRP4):c.605G>A (p.Arg202His)

Gene: LRP4 (LDL receptor related protein 4; minus strand). Cytogenetic location: 11p11.2.
Variant type: single nucleotide variant.
Coding change: c.605G>A on transcript NM_002334.4 (MANE Select); coding-DNA position 605, G replaced by A.
Protein change: p.Arg202His; replaces arginine 202 with histidine.
Molecular consequence: missense variant.
Genome position (GRCh38, 1-based): chr11:46,898,975, C>T on the plus strand (G>A on the coding strand, the complement: LRP4 is on the minus strand). VCF-style: chr11-46898975-C-T. GRCh37 (hg19) VCF-style: chr11-46920526-C-T.
Other names: short protein forms R202H.
Identifiers: ClinVar variation 582703 (VCV000582703.9), dbSNP rs149056824, ClinGen allele CA5970441.

ClinVar aggregate classification (germline): Uncertain significance. Review status: criteria provided, multiple submitters, no conflicts (2 of 4 stars). 3 submissions from 3 submitters: Uncertain significance (3). Last evaluated 2025-04-17.

Conditions:
Inborn genetic diseases. Identifiers: MedGen C0950123, MeSH D030342.
Cenani-Lenz syndactyly syndrome. Also called: CENANI SYNDACTYLISM; SYNDACTYLY, TYPE VII. Identifiers: Orphanet 3258, MedGen C1859309, MONDO:0008931, OMIM 212780.
Congenital myasthenic syndrome 17. Identifiers: Orphanet 590, MedGen C4225377, MONDO:0014578, OMIM 616304.
Sclerosteosis 2 (SOST2). Identifiers: Orphanet 3152, MedGen C3280402, MONDO:0013679, OMIM 614305.

Allele frequency attached by ClinVar (database versions not stated): gnomAD exomes 0.00015 and 0.00007; gnomAD 0.00013 and 0.00014; ESP Exome Variant Server 0.00023; ExAC 0.00005; TOPMed 0.00013.

Submissions (3):

Ambry Genetics
Classification: Uncertain significance for Inborn genetic diseases. Last evaluated: 2025-04-17. Review status: criteria provided, single submitter. Criteria: Ambry Variant Classification Scheme 2023. Collection method: clinical testing. Allele origin: germline.

Labcorp Genetics (formerly Invitae), Labcorp
Classification: Uncertain significance for Cenani-Lenz syndactyly syndrome; Sclerosteosis 2; Congenital myasthenic syndrome 17. Last evaluated: 2024-01-17. Review status: criteria provided, single submitter. Criteria: Invitae Variant Classification Sherloc (09022015). Collection method: clinical testing. Allele origin: germline.
Comment: This sequence change replaces arginine, which is basic and polar, with histidine, which is basic and polar, at codon 202 of the LRP4 protein (p.Arg202His). This variant is present in population databases (rs149056824, gnomAD 0.01%). This variant has not been reported in the literature in individuals affected with LRP4-related conditions. ClinVar contains an entry for this variant (Variation ID: 582703). An algorithm developed to predict the effect of missense changes on protein structure and function (PolyPhen-2) suggests that this variant¬†is likely to be tolerated. In summary, the available evidence is currently insufficient to determine the role of this variant in disease. Therefore, it has been classified as a Variant of Uncertain Significance.

Fulgent Genetics
Classification: Uncertain significance for Cenani-Lenz syndactyly syndrome; Sclerosteosis 2; Congenital myasthenic syndrome 17. Last evaluated: 2024-01-03. Review status: criteria provided, single submitter. Criteria: ACMG Guidelines, 2015. Collection method: clinical testing. Allele origin: germline.